The following is an entry in ClinVar:

ClinVar aggregate classification (germline): Uncertain significance (1 of 4 stars; one submission).

Conditions:
Inborn genetic diseases. Identifiers: MedGen C0950123, MeSH D030342.

Submission:

Ambry Genetics
Classification: Uncertain significance for Inborn genetic diseases. Last evaluated: 2025-03-14. Review status: criteria provided, single submitter. Criteria: Ambry Variant Classification Scheme 2023. Collection method: clinical testing. Allele origin: germline.
Comment: The p.V790I variant (also known as c.2368G>A), located in coding exon 14 of the FANCM gene, results from a G to A substitution at nucleotide position 2368. The valine at codon 790 is replaced by isoleucine, an amino acid with highly similar properties. This amino acid position is conserved. In addition, this alteration is predicted to be tolerated by in silico analysis. Based on the available evidence, the clinical significance of this variant remains unclear.

NM_020937.4(FANCM):c.2368G>A (p.Val790Ile)

Gene: FANCM (FA complementation group M; plus strand). Cytogenetic location: 14q21.2.
Variant type: single nucleotide variant.
Coding change: c.2368G>A on transcript NM_020937.4 (MANE Select); coding-DNA position 2368, G replaced by A.
Protein change: p.Val790Ile; replaces valine 790 with isoleucine.
Molecular consequence: missense variant.
Genome position (GRCh38, 1-based): chr14:45,175,122, G>A. VCF-style: chr14-45175122-G-A. GRCh37 (hg19) VCF-style: chr14-45644325-G-A.
Other names: c.2290G>A, p.Val764Ile (NM_001308133.2); short protein forms V764I, V790I.
Identifiers: ClinVar variation 3848818 (VCV003848818.1).